The following is an entry in ClinVar:

NM_014844.5(TECPR2):c.2900C>T (p.Pro967Leu)

Gene: TECPR2 (tectonin beta-propeller repeat containing 2; plus strand). Cytogenetic location: 14q32.31.
Variant type: single nucleotide variant.
Coding change: c.2900C>T on transcript NM_014844.5 (MANE Select); coding-DNA position 2900, C replaced by T.
Protein change: p.Pro967Leu; replaces proline 967 with leucine.
Molecular consequence: missense variant.
Genome position (GRCh38, 1-based): chr14:102,443,794, C>T. VCF-style: chr14-102443794-C-T. GRCh37 (hg19) VCF-style: chr14-102910131-C-T.
Other names: c.2900C>T, p.Pro967Leu (NM_001172631.3); short protein forms P967L.
Identifiers: ClinVar variation 583210 (VCV000583210.7), dbSNP rs140434256, ClinGen allele CA7358076.
Genomic context (GRCh38, chr14:102,443,794, plus strand): 5'-TGTGGGCGCTGACAGAGCAGAGGGCCCTCCTGTACCGGGAGGGCGTGAGCAGCTTCTGTC[C>T]GGAAGGCGAGCAGTGGAAGTGTGACATTGTCAGGTACTGGCGGGCCAGAGACTCCTTTCA-3'
Protein context (NP_055659.2, residues 957-977): LYREGVSSFC[Pro967Leu]EGEQWKCDIV

ClinVar aggregate classification (germline): Uncertain significance. Review status: criteria provided, multiple submitters, no conflicts (2 of 4 stars). 4 submissions from 4 submitters: Uncertain significance (3). 1 of the submissions does not count toward it. Last evaluated 2021-09-01.

Conditions:
Inborn genetic diseases. Identifiers: MedGen C0950123, MeSH D030342.
Hereditary spastic paraplegia 49 (HSAN9). Also called: TECPR2-Related Hereditary Sensory and Autonomic Neuropathy with Intellectual Disability; Spastic paraplegia 49, autosomal recessive; NEUROPATHY, HEREDITARY SENSORY AND AUTONOMIC, TYPE IX, WITH DEVELOPMENTAL DELAY. Identifiers: Orphanet 320385, MedGen C5190860, MONDO:0014016, OMIM 615031.

Allele frequency attached by ClinVar (database versions not stated): ExAC 0.00004; gnomAD exomes 0.00005 and 0.00006; TOPMed 0.00006; ESP Exome Variant Server 0.00008; gnomAD 0.00009 and 0.00010.
gnomAD v4.1: 84 of 1,598,622 alleles (0.0053%); highest among the groups gnomAD compares: Non-Finnish European, 0.0063%; no homozygotes.

Submissions (4):

Labcorp Genetics (formerly Invitae), Labcorp
Classification: Uncertain significance for Hereditary spastic paraplegia 49. Last evaluated: 2021-09-01. Review status: criteria provided, single submitter. Criteria: Invitae Variant Classification Sherloc (09022015). Collection method: clinical testing. Allele origin: germline.
Comment: This sequence change replaces proline with leucine at codon 967 of the TECPR2 protein (p.Pro967Leu). The proline residue is moderately conserved and there is a moderate physicochemical difference between proline and leucine. This variant is present in population databases (rs140434256, ExAC 0.01%). This variant has not been reported in the literature in individuals affected with TECPR2-related conditions. Algorithms developed to predict the effect of missense changes on protein structure and function are either unavailable or do not agree on the potential impact of this missense change (SIFT: "Tolerated"; PolyPhen-2: "Probably Damaging"; Align-GVGD: "Class C0"). In summary, the available evidence is currently insufficient to determine the role of this variant in disease. Therefore, it has been classified as a Variant of Uncertain Significance.

Ambry Genetics
Classification: Uncertain significance for Inborn genetic diseases. Last evaluated: 2021-07-15. Review status: criteria provided, single submitter. Criteria: Ambry Variant Classification Scheme 2023. Collection method: clinical testing. Allele origin: germline.

Baylor Genetics
Classification: Uncertain significance for Hereditary spastic paraplegia 49. Last evaluated: 2019-02-18. Review status: criteria provided, single submitter. Criteria: ACMG Guidelines, 2015. Collection method: clinical testing. Allele origin: unknown. Affected: yes.
Comment: This variant was determined to be of uncertain significance according to ACMG Guidelines, 2015 [PMID:25741868].

Natera, Inc.
Classification: Uncertain significance for Autosomal recessive spastic paraplegia type 49. Last evaluated: 2020-09-16. Review status: no assertion criteria provided. Collection method: clinical testing. Allele origin: germline. Not counted in ClinVar's aggregate classification.